The following is an entry in ClinVar:

NM_058216.3(RAD51C):c.1082G>T (p.Gly361Val)

Gene: RAD51C (RAD51 paralog C; plus strand). Cytogenetic location: 17q22.
Variant type: single nucleotide variant.
Coding change: c.1082G>T on transcript NM_058216.3 (MANE Select); coding-DNA position 1082, G replaced by T.
Protein change: p.Gly361Val; replaces glycine 361 with valine.
Molecular consequence: missense variant. On other transcripts: non-coding transcript variant (1).
Genome position (GRCh38, 1-based): chr17:58,734,173, G>T. VCF-style: chr17-58734173-G-T. GRCh37 (hg19) VCF-style: chr17-56811534-G-T.
Other names: c.*510G>T (NM_058217.1); short protein forms G361V.
Identifiers: ClinVar variation 2115027 (VCV002115027.4), dbSNP rs2049564193, ClinGen allele CA400366330.

ClinVar aggregate classification (germline): Uncertain significance (1 of 4 stars; one submission).

Conditions:
Fanconi anemia complementation group O. Also called: RAD51C-Related Fanconi Anemia. Identifiers: Orphanet 84, MedGen C3150653, MONDO:0013248, OMIM 613390.

Submission:

Labcorp Genetics (formerly Invitae), Labcorp
Classification: Uncertain significance for Fanconi anemia complementation group O. Last evaluated: 2022-03-20. Review status: criteria provided, single submitter. Criteria: Invitae Variant Classification Sherloc (09022015). Collection method: clinical testing. Allele origin: germline.
Comment: In summary, the available evidence is currently insufficient to determine the role of this variant in disease. Therefore, it has been classified as a Variant of Uncertain Significance. Algorithms developed to predict the effect of missense changes on protein structure and function output the following: SIFT: "Tolerated"; PolyPhen-2: "Benign"; Align-GVGD: "Class C0". The valine amino acid residue is found in multiple mammalian species, which suggests that this missense change does not adversely affect protein function. This variant has not been reported in the literature in individuals affected with RAD51C-related conditions. This variant is not present in population databases (gnomAD no frequency). This sequence change replaces glycine, which is neutral and non-polar, with valine, which is neutral and non-polar, at codon 361 of the RAD51C protein (p.Gly361Val).